The following is an entry in ClinVar:

NM_004700.4(KCNQ4):c.708+14G>C

Gene: KCNQ4 (potassium voltage-gated channel subfamily Q member 4; plus strand). Cytogenetic location: 1p34.2.
Variant type: single nucleotide variant.
Coding change: c.708+14G>C on transcript NM_004700.4 (MANE Select); 14 bases into the intron after coding-DNA position 708, G replaced by C.
Molecular consequence: intron variant.
Genome position (GRCh38, 1-based): chr1:40,818,694, G>C. VCF-style: chr1-40818694-G-C. GRCh37 (hg19) VCF-style: chr1-41284366-G-C.
Other names: c.708+14G>C (NM_172163.3).
Identifiers: ClinVar variation 45104 (VCV000045104.24), dbSNP rs2361660, ClinGen allele CA135534.

ClinVar aggregate classification (germline): Benign. Review status: criteria provided, multiple submitters, no conflicts (2 of 4 stars). 10 submissions from 10 submitters: Benign (7). 3 of the submissions do not count toward it. Last evaluated 2026-02-04.

Conditions:
Autosomal dominant nonsyndromic hearing loss 2A. Also called: DFNA2 Nonsyndromic Hearing Loss; Deafness, autosomal dominant 2A; Autosomal dominant nonsyndromic deafness 2A. Identifiers: Orphanet 90635, MedGen C2677637, MONDO:0010817, OMIM 600101.

Allele frequency attached by ClinVar (database versions not stated): 1000 Genomes Project 30x 0.56480; 1000 Genomes Project 0.56749; TOPMed 0.64201; gnomAD exomes 0.64251 and 0.69766; gnomAD 0.65647 and 0.66283; ExAC 0.67575; ESP Exome Variant Server 0.69170.
gnomAD v4.1: 1,095,834 of 1,581,178 alleles (69%); highest among the groups gnomAD compares: Non-Finnish European, 73%; 384,137 homozygotes.

Submissions (10):

Labcorp Genetics (formerly Invitae), Labcorp
Classification: Benign. Last evaluated: 2026-02-04. Review status: criteria provided, single submitter. Criteria: Invitae Variant Classification Sherloc (09022015). Collection method: clinical testing. Allele origin: germline.

Blueprint Genetics
Classification: Benign. Last evaluated: 2024-11-26. Review status: criteria provided, single submitter. Criteria: ACMG Guidelines, 2015. Collection method: clinical testing. Allele origin: germline.

Genome-Nilou Lab
Classification: Benign for Autosomal dominant nonsyndromic hearing loss 2A. Last evaluated: 2021-08-19. Review status: criteria provided, single submitter. Criteria: ACMG Guidelines, 2015. Collection method: clinical testing. Allele origin: germline. Affected: no.

GeneDx
Classification: Benign. Last evaluated: 2018-06-24. Review status: criteria provided, single submitter. Criteria: GeneDx Variant Classification Process June 2021. Collection method: clinical testing. Allele origin: germline. Affected: yes.

Laboratory for Molecular Medicine, Mass General Brigham Personalized Medicine
Classification: Benign. Last evaluated: 2012-05-07. Review status: criteria provided, single submitter. Criteria: LMM Criteria. Collection method: clinical testing. Allele origin: germline. Observed: 1,254 variant alleles.
Comment: 708+14G>C in Intron 04 of KCNQ4: This variant is not expected to have clinical s ignificance because it is not located within the conserved splice consensus sequ ence and has been identified in 39.7% (1449/3654) of African American chromosome s from a broad population by the NHLBI Exome Sequencing Project (dbSNP rs2361660).

Breakthrough Genomics
Classification: Benign. Review status: criteria provided, single submitter. Criteria: ACMG Guidelines, 2015. Collection method: not provided. Allele origin: germline. Inheritance: Autosomal dominant inheritance. Affected: yes.

PreventionGenetics, part of Exact Sciences
Classification: Benign. Review status: criteria provided, single submitter. Criteria: ACMG Guidelines, 2015. Collection method: clinical testing. Allele origin: germline.

Clinical Genetics DNA and cytogenetics Diagnostics Lab, Erasmus MC, Erasmus Medical Center
Classification: Benign. Review status: no assertion criteria provided. Collection method: clinical testing. Allele origin: germline. Affected: yes. Study: VKGL Data-share Consensus. Not counted in ClinVar's aggregate classification.

Diagnostic Laboratory, Department of Genetics, University Medical Center Groningen
Classification: Benign for Autosomal dominant nonsyndromic hearing loss 2A. Review status: no assertion criteria provided. Collection method: clinical testing. Allele origin: germline. Affected: yes. Study: VKGL Data-share Consensus. Not counted in ClinVar's aggregate classification.

Joint Genome Diagnostic Labs from Nijmegen and Maastricht, Radboudumc and MUMC+
Classification: Benign. Review status: no assertion criteria provided. Collection method: clinical testing. Allele origin: germline. Affected: yes. Study: VKGL Data-share Consensus. Not counted in ClinVar's aggregate classification.